The following is an entry in ClinVar:

ClinVar aggregate classification (germline): Conflicting classifications of pathogenicity. Review status: criteria provided, conflicting classifications (1 of 4 stars). 4 submissions from 4 submitters: Uncertain significance (1); Likely benign (3). Last evaluated 2025-11-11.

Conditions:
Charcot-Marie-Tooth disease type 2. Also called: Charcot-Marie-Tooth type 2. Identifiers: Orphanet 64746, MedGen C0270914, MONDO:0018993.
Charcot-Marie-Tooth disease axonal type 2N (CMT2N). Also called: Charcot-Marie-Tooth Neuropathy Type 2N; CHARCOT-MARIE-TOOTH DISEASE, AXONAL, AUTOSOMAL DOMINANT, TYPE 2N; CHARCOT-MARIE-TOOTH NEUROPATHY, AXONAL, TYPE 2N. Identifiers: Orphanet 228174, MedGen C2750090, MONDO:0013212, OMIM 613287.

Allele frequency attached by ClinVar (database versions not stated): TOPMed 0.00005; 1000 Genomes Project 30x 0.00016; ESP Exome Variant Server 0.00008; 1000 Genomes Project 0.00020.
gnomAD v4.1: 55 of 1,613,698 alleles (0.0034%); highest among the groups gnomAD compares: East Asian, 0.04%; no homozygotes.

Submissions (4):

Women's Health and Genetics/Laboratory Corporation of America, LabCorp
Classification: Likely benign. Last evaluated: 2025-11-11. Review status: criteria provided, single submitter. Criteria: LabCorp Variant Classification Summary - May 2015. Collection method: clinical testing. Allele origin: germline.
Comment: Variant summary: AARS1 c.2401-11A>G alters a nucleotide located at a position not widely known to affect splicing. Consensus agreement among computation tools predict no significant impact on normal splicing. However, these predictions have yet to be confirmed by functional studies. The variant allele was found at a frequency of 3.4e-05 in 1613698 control chromosomes. This frequency is not significantly higher than estimated for disease-causing variants in AARS1, allowing no conclusion about variant significance. To our knowledge, no occurrence of c.2401-11A>G in individuals affected with AARS1-related conditions and no experimental evidence demonstrating its impact on protein function have been reported. ClinVar contains an entry for this variant (Variation ID: 514785). Based on the evidence outlined above, the variant was classified as likely benign.

Labcorp Genetics (formerly Invitae), Labcorp
Classification: Likely benign for Charcot-Marie-Tooth disease type 2. Last evaluated: 2025-09-15. Review status: criteria provided, single submitter. Criteria: Invitae Variant Classification Sherloc (09022015). Collection method: clinical testing. Allele origin: germline.

GeneDx
Classification: Likely benign. Last evaluated: 2018-02-02. Review status: criteria provided, single submitter. Criteria: GeneDx Variant Classification (06012015). Collection method: clinical testing. Allele origin: germline. Affected: yes.
Comment: This variant is considered likely benign or benign based on one or more of the following criteria: it is a conservative change, it occurs at a poorly conserved position in the protein, it is predicted to be benign by multiple in silico algorithms, and/or has population frequency not consistent with disease.

Illumina Laboratory Services, Illumina
Classification: Uncertain significance for Charcot-Marie-Tooth disease axonal type 2N. Last evaluated: 2018-01-13. Review status: criteria provided, single submitter. Criteria: ICSL Variant Classification Criteria 13 December 2019. Collection method: clinical testing. Allele origin: germline.

NM_001605.3(AARS1):c.2401-11A>G

Gene: AARS1 (alanyl-tRNA synthetase 1; minus strand). Cytogenetic location: 16q22.1.
Variant type: single nucleotide variant.
Coding change: c.2401-11A>G on transcript NM_001605.3 (MANE Select); 11 bases into the intron before coding-DNA position 2401, A replaced by G.
Molecular consequence: intron variant.
Genome position (GRCh38, 1-based): chr16:70,254,049, T>C on the plus strand (A>G on the coding strand, the complement: AARS1 is on the minus strand). VCF-style: chr16-70254049-T-C. GRCh37 (hg19) VCF-style: chr16-70287952-T-C.
Identifiers: ClinVar variation 514785 (VCV000514785.13), dbSNP rs377576408, ClinGen allele CA8140419.